The following is an entry in ClinVar:

NM_006767.4(LZTR1):c.1810A>G (p.Lys604Glu)

Gene: LZTR1 (leucine zipper like post translational regulator 1; plus strand). Cytogenetic location: 22q11.21.
Variant type: single nucleotide variant.
Coding change: c.1810A>G on transcript NM_006767.4 (MANE Select); coding-DNA position 1810, A replaced by G.
Protein change: p.Lys604Glu; replaces lysine 604 with glutamic acid.
Molecular consequence: missense variant.
Genome position (GRCh38, 1-based): chr22:20,994,894, A>G. VCF-style: chr22-20994894-A-G. GRCh37 (hg19) VCF-style: chr22-21349183-A-G.
Other names: short protein forms K604E.
Identifiers: ClinVar variation 2447734 (VCV002447734.2), dbSNP rs2518622342, ClinGen allele CA410778500.
Genomic context (GRCh38, chr22:20,994,894, plus strand): 5'-TGACTCTGCCTGCCTGCCTGTGCCTGTCTGCCCCAGGAGCACTGCCTGAACTTCGTGGTA[A>G]AGGAGTCCCACTTCAACCAGGTGATCATGATGAAGGAGTTCGAGCGCCTCTCCTCTCCAC-3'
Protein context (NP_006758.2, residues 594-614): LKEHCLNFVV[Lys604Glu]ESHFNQVIMM

ClinVar aggregate classification (germline): Uncertain significance (1 of 4 stars; one submission).

Conditions:
Cardiovascular phenotype. Identifiers: MedGen CN230736.
Hereditary cancer-predisposing syndrome. Also called: Neoplastic Syndromes, Hereditary; Hereditary Cancer Syndrome; Tumor predisposition; Hereditary neoplastic syndrome. Identifiers: Orphanet 140162, MedGen C0027672, MeSH D009386, MONDO:0015356.

Submission:

Ambry Genetics
Classification: Uncertain significance for Cardiovascular phenotype; Hereditary cancer-predisposing syndrome. Last evaluated: 2023-01-08. Review status: criteria provided, single submitter. Criteria: Ambry Variant Classification Scheme 2023. Collection method: clinical testing. Allele origin: germline.
Comment: The p.K604E variant (also known as c.1810A>G), located in coding exon 16 of the LZTR1 gene, results from an A to G substitution at nucleotide position 1810. The lysine at codon 604 is replaced by glutamic acid, an amino acid with similar properties. This amino acid position is conserved. In addition, the in silico prediction for this alteration is inconclusive. Since supporting evidence is limited at this time, the clinical significance of this alteration remains unclear.